The following is an entry in ClinVar:

ClinVar aggregate classification (germline): Uncertain significance. Review status: criteria provided, multiple submitters, no conflicts (2 of 4 stars). 2 submissions from 2 submitters: Uncertain significance (2). Last evaluated 2025-10-10.

Allele frequency attached by ClinVar (database versions not stated): gnomAD exomes below 0.00001; gnomAD 0.00001.
gnomAD v4.1: 3 of 1,209,721 alleles (0.00025%); highest among the groups gnomAD compares: African/African-American, 0.0053%; no homozygotes.

Submissions (2):

Labcorp Genetics (formerly Invitae), Labcorp
Classification: Uncertain significance. Last evaluated: 2025-10-10. Review status: criteria provided, single submitter. Criteria: Invitae Variant Classification Sherloc (09022015). Collection method: clinical testing. Allele origin: germline.
Comment: This sequence change replaces serine, which is neutral and polar, with cysteine, which is neutral and slightly polar, at codon 105 of the CLCN4 protein (p.Ser105Cys). This variant is not present in population databases (gnomAD no frequency). This variant has not been reported in the literature in individuals affected with CLCN4-related conditions. ClinVar contains an entry for this variant (Variation ID: 409642). Invitae Evidence Modeling of protein sequence and biophysical properties (such as structural, functional, and spatial information, amino acid conservation, physicochemical variation, residue mobility, and thermodynamic stability) indicates that this missense variant is expected to disrupt CLCN4 protein function with a positive predictive value of 80%. Experimental studies have shown that this missense change does not substantially affect CLCN4 function (PMID: 36385166). In summary, the available evidence is currently insufficient to determine the role of this variant in disease. Therefore, it has been classified as a Variant of Uncertain Significance.

GeneDx
Classification: Uncertain significance. Last evaluated: 2023-10-12. Review status: criteria provided, single submitter. Criteria: GeneDx Variant Classification Process June 2021. Collection method: clinical testing. Allele origin: germline. Affected: yes.
Comment: Has not been previously reported as pathogenic or benign in association with CLCN4-related disorders to our knowledge; A published functional study suggests this variant does not have a damaging effect, however additional studies are needed to validate the functional effect of this variant in vivo (Palmer et al., 2022); In silico analysis supports that this missense variant has a deleterious effect on protein structure/function; Not observed at significant frequency in large population cohorts (gnomAD); This variant is associated with the following publications: (PMID: 36385166)

Literature cited by the submitters: PubMed 36385166 (cited by Labcorp Genetics (formerly Invitae), Labcorp).

NM_001830.4(CLCN4):c.314C>G (p.Ser105Cys)

Gene: CLCN4 (chloride voltage-gated channel 4; plus strand). Cytogenetic location: Xp22.2.
Variant type: single nucleotide variant.
Coding change: c.314C>G on transcript NM_001830.4 (MANE Select); coding-DNA position 314, C replaced by G.
Protein change: p.Ser105Cys; replaces serine 105 with cysteine.
Molecular consequence: missense variant.
Genome position (GRCh38, 1-based): chrX:10,194,980, C>G. VCF-style: chrX-10194980-C-G. GRCh37 (hg19) VCF-style: chrX-10163020-C-G.
Other names: c.32C>G, p.Ser11Cys (NM_001256944.2); short protein forms S105C, S11C.
Identifiers: ClinVar variation 409642 (VCV000409642.12), dbSNP rs1060502510, ClinGen allele CA16616416.